The following is an entry in ClinVar:

NM_001081.4(CUBN):c.3049G>A (p.Gly1017Ser)

Gene: CUBN (cubilin; minus strand). Cytogenetic location: 10p13.
Variant type: single nucleotide variant.
Coding change: c.3049G>A on transcript NM_001081.4 (MANE Select); coding-DNA position 3049, G replaced by A.
Protein change: p.Gly1017Ser; replaces glycine 1017 with serine.
Molecular consequence: missense variant.
Genome position (GRCh38, 1-based): chr10:17,065,598, C>T on the plus strand (G>A on the coding strand, the complement: CUBN is on the minus strand). VCF-style: chr10-17065598-C-T. GRCh37 (hg19) VCF-style: chr10-17107597-C-T.
Other names: short protein forms G1017S.
Identifiers: ClinVar variation 1058982 (VCV001058982.9), dbSNP rs1207798792, ClinGen allele CA376154561.
Genomic context (GRCh38, chr10:17,065,598, plus strand): 5'-TTAAGAAGCCTTCATAAGCGAGGTCGGAGTCAGTCACAAACACCAGCATCAATGAGTTAC[C>T]ACTGCTTGTGAGAGATGGCGGGATCGACTTTCCACAGTATCTATTCCAAACCAAGAAAGG-3'
Protein context (NP_001072.2, residues 1007-1027): KSIPPSLTSS[Gly1017Ser]NSLMLVFVTD

ClinVar aggregate classification (germline): Uncertain significance (1 of 4 stars; one submission).

Conditions:
Imerslund-Grasbeck syndrome. Also called: Imerslund-Gräsbeck syndrome; Megaloblastic anemia due to inborn errors of metabolism; PERNICIOUS ANEMIA, JUVENILE, DUE TO SELECTIVE INTESTINAL MALABSORPTION OF VITAMIN B12, WITH PROTEINURIA; ENTEROCYTE COBALAMIN MALABSORPTION; ENTEROCYTE INTRINSIC FACTOR RECEPTOR, DEFECT OF. Identifiers: Orphanet 35858, MedGen C4551825, MONDO:0009853.

Allele frequency attached by ClinVar (database versions not stated): gnomAD exomes below 0.00001.
gnomAD v4.1: 3 of 1,613,592 alleles (0.00019%); highest among the groups gnomAD compares: Admixed American, 0.0017%; no homozygotes.

Submission:

Labcorp Genetics (formerly Invitae), Labcorp
Classification: Uncertain significance for Imerslund-Grasbeck syndrome. Last evaluated: 2022-07-19. Review status: criteria provided, single submitter. Criteria: Invitae Variant Classification Sherloc (09022015). Collection method: clinical testing. Allele origin: germline.
Comment: This variant is present in population databases (no rsID available, gnomAD no frequency). This variant has not been reported in the literature in individuals affected with CUBN-related conditions. ClinVar contains an entry for this variant (Variation ID: 1058982). Algorithms developed to predict the effect of missense changes on protein structure and function output the following: SIFT: "Tolerated"; PolyPhen-2: "Benign"; Align-GVGD: "Class C0". The serine amino acid residue is found in multiple mammalian species, which suggests that this missense change does not adversely affect protein function. In summary, the available evidence is currently insufficient to determine the role of this variant in disease. Therefore, it has been classified as a Variant of Uncertain Significance. This sequence change replaces glycine, which is neutral and non-polar, with serine, which is neutral and polar, at codon 1017 of the CUBN protein (p.Gly1017Ser).